The following is an entry in ClinVar:

NM_002585.4(PBX1):c.388del (p.Ala130fs)

Gene: PBX1 (PBX homeobox 1; plus strand). Cytogenetic location: 1q23.3.
Variant type: Deletion.
Coding change: c.388del on transcript NM_002585.4 (MANE Select); coding-DNA position 388, one base deleted (G; older notation c.388delG).
Protein change: p.Ala130fs; shifts the reading frame from alanine 130.
Molecular consequence: frameshift variant.
Genome position (GRCh38, 1-based): chr1:164,792,616, G deleted; the last of 2 consecutive G bases (chr1:164,792,615-164,792,616); deleting either gives the same sequence. VCF-style (leftmost placement, unchanged base first): chr1-164792614-CG-C. GRCh37 (hg19) VCF-style: chr1-164761851-CG-C.
Other names: c.388del, p.Ala130fs (NM_001204961.2, NM_001204963.2, NM_001353131.2); c.139del, p.Ala47fs (NM_001353130.1); short protein forms A130fs, A47fs.
Identifiers: ClinVar variation 3900724 (VCV003900724.3).

ClinVar aggregate classification (germline): Pathogenic. Review status: criteria provided, multiple submitters, no conflicts (2 of 4 stars). 2 submissions from 2 submitters: Pathogenic (2). Last evaluated 2025-11-05.

Conditions:
Congenital anomalies of kidney and urinary tract syndrome with or without hearing loss, abnormal ears, or developmental delay. Also called: Congenital Anomalies of the Kidney and Urinary Tract syndrome with or without Hearing Loss, Abnormal Ears, or Developmental Delay. Identifiers: Orphanet 656130, MedGen C4539968, MONDO:0060549, OMIM 617641.

Submissions (2):

Variantyx, Inc.
Classification: Pathogenic for Congenital anomalies of kidney and urinary tract syndrome with or without hearing loss, abnormal ears, or developmental delay. Last evaluated: 2025-11-05. Review status: criteria provided, single submitter. Criteria: Variantyx Assertion Criteria 2022. Collection method: clinical testing. Allele origin: de novo. Inheritance: Autosomal dominant inheritance. Affected: yes.
Comment: This is a frameshift variant in the PBX1 gene (OMIM: 176310). Pathogenic variants in this gene have been associated with autosomal dominant congenital anomalies of the kidney and urinary tract syndrome with or without hearing loss, abnormal ears, or developmental delay. The alteration introduces a premature termination codon in exon 3 out of 9 and is expected to result in loss of function, which is a known disease mechanism for PBX1 in this disorder (PMID: 29036646, 28566479, 28270404) (PVS1). This variant is absent from control populations (PM2) and it has not been previously reported in individuals with PBX1-related disorders in the databases available for review. Based on the current evidence, this variant is classified as pathogenic for autosomal dominant congenital anomalies of kidney and urinary tract syndrome with or without hearing loss, abnormal ears, or developmental delay.

MVZ Medizinische Genetik Mainz
Classification: Pathogenic for Congenital anomalies of kidney and urinary tract syndrome with or without hearing loss, abnormal ears, or developmental delay. Last evaluated: 2025-10-09. Review status: criteria provided, single submitter. Criteria: UK Practice Guidelines For Variant Classification V4 01 2020. Collection method: clinical testing. Allele origin: germline. Inheritance: Autosomal dominant inheritance. Affected: yes. Observed: 1 variant allele.
Comment: ACMG Criteria: PVS1,PM2_SUP

Literature cited by the submitters: PubMed 29036646 (cited by Variantyx, Inc.); PubMed 28566479 (cited by Variantyx, Inc.); PubMed 28270404 (cited by Variantyx, Inc.).